The following is an entry in ClinVar:

ClinVar aggregate classification (germline): Uncertain significance (1 of 4 stars; one submission).

Conditions:
Dyskeratosis congenita. Identifiers: Orphanet 1775, MedGen C0265965, MONDO:0015780.

gnomAD v4.1: 2 of 1,613,992 alleles (0.00012%); highest among the groups gnomAD compares: East Asian, 0.0045%; no homozygotes.

Submission:

Labcorp Genetics (formerly Invitae), Labcorp
Classification: Uncertain significance for Dyskeratosis congenita. Last evaluated: 2024-11-06. Review status: criteria provided, single submitter. Criteria: Invitae Variant Classification Sherloc (09022015). Collection method: clinical testing. Allele origin: germline.
Comment: This sequence change replaces proline, which is neutral and non-polar, with serine, which is neutral and polar, at codon 33 of the NHP2 protein (p.Pro33Ser). This variant is present in population databases (rs566614440, gnomAD 0.006%). This variant has not been reported in the literature in individuals affected with NHP2-related conditions. An algorithm developed to predict the effect of missense changes on protein structure and function (PolyPhen-2) suggests that this variant is likely to be tolerated. In summary, the available evidence is currently insufficient to determine the role of this variant in disease. Therefore, it has been classified as a Variant of Uncertain Significance.

NM_017838.4(NHP2):c.97C>T (p.Pro33Ser)

Gene: NHP2 (NHP2 ribonucleoprotein; minus strand). Cytogenetic location: 5q35.3.
Variant type: single nucleotide variant.
Coding change: c.97C>T on transcript NM_017838.4 (MANE Select); coding-DNA position 97, C replaced by T.
Protein change: p.Pro33Ser; replaces proline 33 with serine.
Molecular consequence: missense variant.
Genome position (GRCh38, 1-based): chr5:178,153,721, G>A on the plus strand (C>T on the coding strand, the complement: NHP2 is on the minus strand). VCF-style: chr5-178153721-G-A. GRCh37 (hg19) VCF-style: chr5-177580722-G-A.
Other names: c.97C>T, p.Pro33Ser (NM_001034833.2, NM_001396110.1); short protein forms P33S.
Identifiers: ClinVar variation 3613116 (VCV003613116.2).